The following is an entry in ClinVar:

ClinVar aggregate classification (germline): Uncertain significance. Review status: criteria provided, multiple submitters, no conflicts (2 of 4 stars). 2 submissions from 2 submitters: Uncertain significance (2). Last evaluated 2022-03-10.

Conditions:
Joubert syndrome 17 (JBTS17). Identifiers: Orphanet 475, MedGen C3553264, MONDO:0013824, OMIM 614615.
Orofaciodigital syndrome type 6 (OFD6). Also called: Oral-facial-digital syndrome type 6; Central polydactyly cleft lip/palate or lingual lump and psychomotor retardation; Y-shaped central metacarpal and cerebellar defect; Joubert syndrome with orofacialdigital anomalies; OROFACIODIGITAL SYNDROME VI; OFDS VI. Identifiers: Orphanet 2754, MedGen C2745997, MONDO:0010176, OMIM 277170.

Allele frequency attached by ClinVar (database versions not stated): gnomAD 0.00005 and 0.00006.
gnomAD v4.1: 10 of 1,551,202 alleles (0.00064%); highest among the groups gnomAD compares: African/African-American, 0.012%; no homozygotes.

Submissions (2):

Labcorp Genetics (formerly Invitae), Labcorp
Classification: Uncertain significance. Last evaluated: 2022-03-10. Review status: criteria provided, single submitter. Criteria: Invitae Variant Classification Sherloc (09022015). Collection method: clinical testing. Allele origin: germline.
Comment: This variant has not been reported in the literature in individuals affected with CPLANE1-related conditions. In summary, the available evidence is currently insufficient to determine the role of this variant in disease. Therefore, it has been classified as a Variant of Uncertain Significance. Algorithms developed to predict the effect of sequence changes on RNA splicing suggest that this variant may create or strengthen a splice site. Advanced modeling of protein sequence and biophysical properties (such as structural, functional, and spatial information, amino acid conservation, physicochemical variation, residue mobility, and thermodynamic stability) performed at Invitae indicates that this missense variant is not expected to disrupt CPLANE1 protein function. This variant is present in population databases (no rsID available, gnomAD 0.01%). This sequence change replaces methionine, which is neutral and non-polar, with valine, which is neutral and non-polar, at codon 435 of the CPLANE1 protein (p.Met435Val).

Fulgent Genetics
Classification: Uncertain significance for Orofaciodigital syndrome type 6; Joubert syndrome 17. Last evaluated: 2021-08-18. Review status: criteria provided, single submitter. Criteria: ACMG Guidelines, 2015. Collection method: clinical testing. Allele origin: unknown.

NM_001384732.1(CPLANE1):c.1303A>G (p.Met435Val)

Gene: CPLANE1 (ciliogenesis and planar polarity effector complex subunit 1; minus strand). Cytogenetic location: 5p13.2.
Variant type: single nucleotide variant.
Coding change: c.1303A>G on transcript NM_001384732.1 (MANE Select); coding-DNA position 1303, A replaced by G.
Protein change: p.Met435Val; replaces methionine 435 with valine.
Molecular consequence: missense variant.
Genome position (GRCh38, 1-based): chr5:37,227,636, T>C on the plus strand (A>G on the coding strand, the complement: CPLANE1 is on the minus strand). VCF-style: chr5-37227636-T-C. GRCh37 (hg19) VCF-style: chr5-37227738-T-C.
Other names: c.1303A>G, p.Met435Val (NM_023073.4); short protein forms M435V.
Identifiers: ClinVar variation 1427620 (VCV001427620.5), dbSNP rs1184764389, ClinGen allele CA359504629.